The following continues an entry in ClinVar:

NM_000138.5(FBN1):c.4001G>A (p.Gly1334Asp)

Gene: FBN1. ClinVar aggregate classification (germline): Conflicting classifications of pathogenicity. Uncertain significance (8); Likely benign (3).

Submissions 9 to 12 of 12:

New York Genome Center
Classification: Uncertain significance for Marfan syndrome. Last evaluated: 2021-01-29. Review status: criteria provided, single submitter. Criteria: NYGC Assertion Criteria 2020. Collection method: clinical testing. Allele origin: inherited. Observed: 2 heterozygotes. Clinical features observed: Aortic root aneurysm (HP:0002616), Myopia (HP:0000545), Tall stature (HP:0000098), High palate (HP:0000218), Seizure (HP:0001250), Congenital blindness (HP:0007875), Profound intellectual disability (HP:0002187), Hydrocephalus (HP:0000238), Precocious puberty (HP:0000826), Global developmental delay (HP:0001263), Bruising susceptibility (HP:0000978), Optic disc pallor (HP:0000543). Study: CSER-NYCKidSeq.
Comment: The inherited c.4001G>A (p.Gly1334Asp) variant identified in the FBN1 gene substitutes a moderately conserved Glycine for Aspartic Acid at amino acid 1334/2872 (coding exon 33/66). This variant is found in 20 heterozygotes and 0 homozygotes in gnomAD(v3.1) with an allele frequency of 1.32e-4. In silico algorithms predict this variant to be Neutral (Provean; score: 3.75) and Tolerated (SIFT; score: 1.00) to the function of the canonical transcript. This variant is reported as a Variant of Uncertain Significance in ClinVar (VarID:42345), including a submission by one clinical lab in which this variant was identified in a family with features of Marfan syndrome. The p.Gly1334Asp variant identified here has also been reported in the literature in a family with Marfan syndrome like features, ticks, possible Tourette Syndrome, speech delay and fine motor delay [PMID:26214305]. The p.Gly1334 residue is within one of the EGF-like calcium binding domains of FBN1 (UniProtKB:P35555). While it has been observed in affected individuals in the literature, the presence of 20 heterozygotes in gnomAD(v3.1) is higher than expected for autosomal dominant Marfan Syndrome. Given this, the inherited c.4001G>A (p.Gly1334Asp) variant identified in the FBN1 gene is reported as a Variant of Uncertain Significance.

Illumina Laboratory Services, Illumina
Classification: Uncertain significance for FBN1-related disorders. Last evaluated: 2020-01-15. Review status: criteria provided, single submitter. Criteria: ICSLVariantClassificationCriteria RUGD 01 April 2020. Collection method: clinical testing. Allele origin: unknown.
Comment: The FBN1 c.4001G>A (p.Gly1334Asp) variant is a missense variant that has been reported in a pair of male twins with Marfan-like features, both of whom also had other medical issues (Delio et al. 2015). Control data are unavailable for this variant, which is reported at a frequency of 0.000058 in the Latino population of the Genome Aggregation Database though this is based on two alleles in a region of good sequence coverage, so the variant is presumed to be rare. Based on the limited evidence, the p.Gly1334Asp variant is classified as a variant of unknown significance for FBN1-related disorders.

Laboratory for Molecular Medicine, Mass General Brigham Personalized Medicine
Classification: Uncertain significance. Last evaluated: 2016-09-13. Review status: criteria provided, single submitter. Criteria: LMM Criteria. Collection method: clinical testing. Allele origin: germline. Observed: 5 variant alleles.
Comment: The p.Gly1334Asp variant in FBN1 has been identified by our laboratory in 2 indi viduals with features of Marfan syndrome and segregated with disease in 3 affect ed relatives. This variant has been identified in 1/11566 of Latino chromosomes by the Exome Aggregation Consortium (ExAC; dbSNP rs191989961). Glycine (Gly) at position 1334 is not conserved in mammals or evo lutionarily distant species and >20 mammals/species carry an aspartic acid (Asp) , raising the possibility that this change may be tolerated. Additional computat ional prediction tools suggest that this variant may not impact the protein, tho ugh this information is not predictive enough to rule out pathogenicity. In summ ary, due to conflicting data, the clinical significance of the p.Gly1334Asp vari ant is uncertain.

PreventionGenetics, part of Exact Sciences
Classification: Uncertain significance for FBN1-related condition. Last evaluated: 2024-03-22. Review status: no assertion criteria provided. Collection method: clinical testing. Allele origin: germline. Not counted in ClinVar's aggregate classification.
Comment: The FBN1 c.4001G>A variant is predicted to result in the amino acid substitution p.Gly1334Asp. This variant has been reported in two unrelated individuals with Marfan syndrome-like features (Table S6, IDs 7 and 32, Lerner-Ellis et al. 2014. PubMed ID: 24793577). It has also been reported in a set of male twins with Marfan syndrome-like features, multiple congenital anomalies, focal segmental glomerulosclerosis, ticks, speech delay, fine motor delay and possible Tourette syndrome (Table 2, Table S4, Delio et al. 2015. PubMed ID: 26214305). This variant is reported in 0.0058% of alleles in individuals of Latino descent in gnomAD. At this time, the clinical significance of this variant is uncertain due to the absence of conclusive functional and genetic evidence.

Literature cited by the submitters: PubMed 24793577 (cited by 4 submitters); PubMed 26214305 (cited by 5 submitters); PubMed 28301460 (cited by Women's Health and Genetics/Laboratory Corporation of America, LabCorp); PubMed 38665719 (cited by Women's Health and Genetics/Laboratory Corporation of America, LabCorp and Ambry Genetics); PubMed 38843839 (cited by Ambry Genetics).